The following is an entry in ClinVar:

ClinVar aggregate classification (germline): Uncertain significance (1 of 4 stars; one submission).

Conditions:
Alpha-methylacyl-CoA racemase deficiency (AMACRD). Also called: AMACR deficiency. Identifiers: Orphanet 79095, MedGen C3280428, MONDO:0013681, OMIM 614307. Disease mechanism: loss of function.

Allele frequency attached by ClinVar (database versions not stated): TOPMed below 0.00001.

Submission:

Labcorp Genetics (formerly Invitae), Labcorp
Classification: Uncertain significance for Alpha-methylacyl-CoA racemase deficiency. Last evaluated: 2022-08-02. Review status: criteria provided, single submitter. Criteria: Invitae Variant Classification Sherloc (09022015). Collection method: clinical testing. Allele origin: germline.
Comment: This sequence change replaces arginine, which is basic and polar, with leucine, which is neutral and non-polar, at codon 48 of the AMACR protein (p.Arg48Leu). In summary, the available evidence is currently insufficient to determine the role of this variant in disease. Therefore, it has been classified as a Variant of Uncertain Significance. Algorithms developed to predict the effect of missense changes on protein structure and function (SIFT, PolyPhen-2, Align-GVGD) all suggest that this variant is likely to be disruptive. This variant has not been reported in the literature in individuals affected with AMACR-related conditions. This variant is not present in population databases (gnomAD no frequency).

NM_014324.6(AMACR):c.143G>T (p.Arg48Leu)

Genes: C1QTNF3-AMACR (C1QTNF3-AMACR readthrough (NMD candidate); minus strand), AMACR (alpha-methylacyl-CoA racemase; minus strand). Cytogenetic location: 5p13.2.
Variant type: single nucleotide variant.
Coding change: c.143G>T on transcript NM_014324.6 (MANE Select); coding-DNA position 143, G replaced by T.
Protein change: p.Arg48Leu; replaces arginine 48 with leucine.
Molecular consequence: missense variant.
Genome position (GRCh38, 1-based): chr5:34,007,877, C>A on the plus strand (G>T on the coding strand, the complement: AMACR is on the minus strand). VCF-style: chr5-34007877-C-A. GRCh37 (hg19) VCF-style: chr5-34007982-C-A.
Other names: c.143G>T, p.Arg48Leu (NM_001167595.2, NM_203382.3); short protein forms R48L.
Identifiers: ClinVar variation 2110450 (VCV002110450.4), dbSNP rs1754044111, ClinGen allele CA359385247.
Genomic context (GRCh38, chr5:34,007,877, plus strand): 5'-CGCCGCAGCACGGCGGCTCCCCGCGGCTGCTTCAGGTCCAGCACTAGCGAGCGCTTGCCC[C>A]GGCCCAAGCGGCTCACGTCGTAGCGGGAGCCGGGCCGGTCCACGCGTACCACACGCGCCC-3'
Protein context (NP_055139.4, residues 38-58): GSRYDVSRLG[Arg48Leu]GKRSLVLDLK